The following is an entry in ClinVar:

ClinVar aggregate classification (germline): Uncertain significance (1 of 4 stars; one submission).

Submission:

GeneDx
Classification: Uncertain significance. Last evaluated: 2024-03-01. Review status: criteria provided, single submitter. Criteria: GeneDx Variant Classification Process June 2021. Collection method: clinical testing. Allele origin: germline. Affected: yes.
Comment: Not observed at significant frequency in large population cohorts (gnomAD); In-frame deletion of 2 amino acids in a non-repeat region; Has not been previously published as pathogenic or benign to our knowledge

NM_015557.3(CHD5):c.2671_2676del (p.Asn891_Phe892del)

Gene: CHD5 (chromodomain helicase DNA binding protein 5; minus strand). Cytogenetic location: 1p36.31.
Variant type: Deletion.
Coding change: c.2671_2676del on transcript NM_015557.3 (MANE Select); coding-DNA positions 2671 to 2676, 6 bases deleted (AACTTC; older notation c.2671_2676delAACTTC).
Protein change: p.Asn891_Phe892del.
Genome position (GRCh38, 1-based): chr1:6,136,537-6,136,542, GAAGTT deleted on the plus strand (AACTTC on the coding strand, the reverse complement: CHD5 is on the minus strand); deleting any 6 consecutive bases within chr1:6,136,537-6,136,544 gives the same sequence; the c. name uses the placement nearest the transcript's 3' end. VCF-style (leftmost placement, unchanged base first): chr1-6136536-GGAAGTT-G. GRCh37 (hg19) VCF-style: chr1-6196596-GGAAGTT-G.
Identifiers: ClinVar variation 3373624 (VCV003373624.1).